The following is an entry in ClinVar:

NM_021067.5(GINS1):c.220C>T (p.Arg74Cys)

Gene: GINS1 (GINS complex subunit 1; plus strand). Cytogenetic location: 20p11.21.
Variant type: single nucleotide variant.
Coding change: c.220C>T on transcript NM_021067.5 (MANE Select); coding-DNA position 220, C replaced by T.
Protein change: p.Arg74Cys; replaces arginine 74 with cysteine.
Molecular consequence: missense variant. On other transcripts: non-coding transcript variant (1).
Genome position (GRCh38, 1-based): chr20:25,417,183, C>T. VCF-style: chr20-25417183-C-T. GRCh37 (hg19) VCF-style: chr20-25397819-C-T.
Other names: short protein forms R74C.
Identifiers: ClinVar variation 1379946 (VCV001379946.6), dbSNP rs372527591, ClinGen allele CA9796459.

ClinVar aggregate classification (germline): Uncertain significance (1 of 4 stars; one submission).

Allele frequency attached by ClinVar (database versions not stated): gnomAD exomes 0.00001; ExAC 0.00003; gnomAD 0.00003; TOPMed 0.00006; ESP Exome Variant Server 0.00008.
gnomAD v4.1: 18 of 1,565,980 alleles (0.0011%); highest among the groups gnomAD compares: African/African-American, 0.0027%; no homozygotes.

Submission:

Labcorp Genetics (formerly Invitae), Labcorp
Classification: Uncertain significance. Last evaluated: 2022-06-09. Review status: criteria provided, single submitter. Criteria: Invitae Variant Classification Sherloc (09022015). Collection method: clinical testing. Allele origin: germline.
Comment: In summary, the available evidence is currently insufficient to determine the role of this variant in disease. Therefore, it has been classified as a Variant of Uncertain Significance. Algorithms developed to predict the effect of missense changes on protein structure and function are either unavailable or do not agree on the potential impact of this missense change (SIFT: "Not Available"; PolyPhen-2: "Probably Damaging"; Align-GVGD: "Not Available"). This variant has not been reported in the literature in individuals affected with GINS1-related conditions. This variant is present in population databases (rs372527591, gnomAD 0.004%). This sequence change replaces arginine, which is basic and polar, with cysteine, which is neutral and slightly polar, at codon 74 of the GINS1 protein (p.Arg74Cys).